The following is an entry in ClinVar:

ClinVar aggregate classification (germline): Uncertain significance (1 of 4 stars; one submission).

Conditions:
Multiple gastrointestinal atresias. Also called: FAMILIAL INTESTINAL POLYATRESIA SYNDROME; Multiple intestinal atresia. Identifiers: Orphanet 2300, MedGen C0220744, MONDO:0009465.

Allele frequency attached by ClinVar (database versions not stated): TOPMed 0.00006.
gnomAD v4.1: 7 of 1,556,758 alleles (0.00045%); highest among the groups gnomAD compares: African/African-American, 0.0095%; no homozygotes.

Submission:

Labcorp Genetics (formerly Invitae), Labcorp
Classification: Uncertain significance for Multiple gastrointestinal atresias. Last evaluated: 2020-05-30. Review status: criteria provided, single submitter. Criteria: Invitae Variant Classification Sherloc (09022015). Collection method: clinical testing. Allele origin: germline.
Comment: In summary, the available evidence is currently insufficient to determine the role of this variant in disease. Therefore, it has been classified as a Variant of Uncertain Significance. Algorithms developed to predict the effect of missense changes on protein structure and function are either unavailable or do not agree on the potential impact of this missense change (SIFT: "Deleterious"; PolyPhen-2: "Probably Damaging"; Align-GVGD: "Class C0"). This variant has not been reported in the literature in individuals with TTC7A-related conditions. The frequency data for this variant in the population databases is considered unreliable, as metrics indicate insufficient coverage at this position in the ExAC database. This sequence change replaces arginine with cysteine at codon 21 of the TTC7A protein (p.Arg21Cys). The arginine residue is moderately conserved and there is a large physicochemical difference between arginine and cysteine.

NM_020458.4(TTC7A):c.61C>T (p.Arg21Cys)

Genes: MCFD2 (multiple coagulation factor deficiency 2, ER cargo receptor complex subunit; minus strand), TTC7A (tetratricopeptide repeat domain 7A; plus strand). Cytogenetic location: 2p21.
Variant type: single nucleotide variant.
Coding change: c.61C>T on transcript NM_020458.4 (MANE Select); coding-DNA position 61, C replaced by T.
Protein change: p.Arg21Cys; replaces arginine 21 with cysteine.
Molecular consequence: missense variant. On other transcripts: 5 prime UTR variant (2), intron variant (1).
Genome position (GRCh38, 1-based): chr2:46,941,602, C>T. VCF-style: chr2-46941602-C-T. GRCh37 (hg19) VCF-style: chr2-47168741-C-T.
Other names: c.61C>T, p.Arg21Cys (NM_001288951.2); c.-844C>T (NM_001288955.2); c.-37G>A (NM_001171508.2); c.62G>A, p.Arg21Gln (NM_001171511.3); c.83-8761C>T (NM_001288953.2); short protein forms R21C, R21Q.
Identifiers: ClinVar variation 1007608 (VCV001007608.9), dbSNP rs1315722693, ClinGen allele CA346715635.
Genomic context (GRCh38, chr2:46,941,602, plus strand): 5'-ATGGCTGCGAAGGGCGCGCACGGCTCCTACCTGAAGGTGGAGAGCGAGCTGGAGCGCTGC[C>T]GCGCCGAGGGCCACTGGGACCGCATGCCGGAGCTGGTCCGGCAGCTGCAGACGCTGAGCA-3'
Protein context (NP_065191.2, residues 11-31): LKVESELERC[Arg21Cys]AEGHWDRMPE